The following is an entry in ClinVar:

ClinVar aggregate classification (germline): Benign (1 of 4 stars; one submission).

Allele frequency attached by ClinVar (database versions not stated): 1000 Genomes Project 30x 0.03420; 1000 Genomes Project 0.03435; TOPMed 0.04654; gnomAD 0.04864 and 0.04936.
gnomAD v4.1: 7,422 of 152,230 alleles (4.9%); highest among the groups gnomAD compares: Non-Finnish European, 6.7%; 213 homozygotes.

Submission:

GeneDx
Classification: Benign. Last evaluated: 2018-06-14. Review status: criteria provided, single submitter. Criteria: GeneDx Variant Classification (06012015). Collection method: clinical testing. Allele origin: germline. Affected: yes.
Comment: This variant is considered likely benign or benign based on one or more of the following criteria: it is a conservative change, it occurs at a poorly conserved position in the protein, it is predicted to be benign by multiple in silico algorithms, and/or has population frequency not consistent with disease.

NM_001256545.2(MEGF10):c.218+155G>A

Gene: MEGF10 (multiple EGF like domains 10; plus strand). Cytogenetic location: 5q23.2.
Variant type: single nucleotide variant.
Coding change: c.218+155G>A on transcript NM_001256545.2 (MANE Select); 155 bases into the intron after coding-DNA position 218, G replaced by A.
Molecular consequence: intron variant.
Genome position (GRCh38, 1-based): chr5:127,339,376, G>A. VCF-style: chr5-127339376-G-A. GRCh37 (hg19) VCF-style: chr5-126675068-G-A.
Other names: c.218+155G>A (NM_032446.3, NM_001308119.2, NM_001308121.2).
Identifiers: ClinVar variation 683158 (VCV000683158.1), dbSNP rs17673170, ClinGen allele CA127484508.
Genomic context (GRCh38, chr5:127,339,376, plus strand): 5'-TCAGTGAATAGGTATTGAGGGCTTGCTCCTGTCTTATTTTTGTGCCAAATCACAGGGGAT[G>A]TAGAAAAGCAGAAAGGTAGCCCATGCCCTAAAGGAGCTTACAGCCTAACTGCAGAGAAAG-3'